The following is an entry in ClinVar:

NM_000465.4(BARD1):c.592G>T (p.Ala198Ser)

Gene: BARD1 (BRCA1 associated RING domain 1; minus strand). Cytogenetic location: 2q35.
Variant type: single nucleotide variant.
Coding change: c.592G>T on transcript NM_000465.4 (MANE Select); coding-DNA position 592, G replaced by T.
Protein change: p.Ala198Ser; replaces alanine 198 with serine.
Molecular consequence: missense variant. On other transcripts: non-coding transcript variant (2), intron variant (3).
Genome position (GRCh38, 1-based): chr2:214,781,282, C>A on the plus strand (G>T on the coding strand, the complement: BARD1 is on the minus strand). VCF-style: chr2-214781282-C-A. GRCh37 (hg19) VCF-style: chr2-215646006-C-A.
Other names: c.535G>T, p.Ala179Ser (NM_001282543.2); c.158+28130G>T (NM_001282548.2); c.215+15779G>T (NM_001282545.2); c.364+11015G>T (NM_001282549.2); short protein forms A198S, A179S.
Identifiers: ClinVar variation 230324 (VCV000230324.24), dbSNP rs748834249, ClinGen allele CA2090405.
Genomic context (GRCh38, chr2:214,781,282, plus strand): 5'-ATTTTTGGTTGATTTCAGCTAAAGTTTTCTTTTTTTGCTTTTTTCCAGATCTTGCAGAAG[C>A]CTTTTTAGCCCTCTCAGAAACATCTGCAGGAGGACTTGGGGAAACAAATTCATATGAGTC-3'
Protein context (NP_000456.2, residues 188-208): PADVSERAKK[Ala198Ser]SARSGKKQKK

ClinVar aggregate classification (germline): Conflicting classifications of pathogenicity. Review status: criteria provided, conflicting classifications (1 of 4 stars). 5 submissions from 5 submitters: Uncertain significance (4); Likely benign (1). Last evaluated 2025-09-03.

Conditions:
Hereditary cancer-predisposing syndrome. Also called: Tumor predisposition; Hereditary neoplastic syndrome; Hereditary Cancer Syndrome; Neoplastic Syndromes, Hereditary. Identifiers: Orphanet 140162, MedGen C0027672, MeSH D009386, MONDO:0015356.
Familial cancer of breast. Also called: BREAST CANCER, FAMILIAL; Hereditary breast cancer; hereditary breast carcinoma. Identifiers: Orphanet 227535, MedGen C0346153, MONDO:0016419, OMIM 114480. Disease mechanism: loss of function.

Allele frequency attached by ClinVar (database versions not stated): gnomAD 0.00001; gnomAD exomes 0.00003 and 0.00001.

Submissions (5):

Labcorp Genetics (formerly Invitae), Labcorp
Classification: Uncertain significance for Familial cancer of breast. Last evaluated: 2025-09-03. Review status: criteria provided, single submitter. Criteria: Invitae Variant Classification Sherloc (09022015). Collection method: clinical testing. Allele origin: germline.
Comment: This sequence change replaces alanine, which is neutral and non-polar, with serine, which is neutral and polar, at codon 198 of the BARD1 protein (p.Ala198Ser). This variant is present in population databases (rs748834249, gnomAD 0.007%). This variant has not been reported in the literature in individuals affected with BARD1-related conditions. ClinVar contains an entry for this variant (Variation ID: 230324). An algorithm developed to predict the effect of missense changes on protein structure and function (PolyPhen-2) suggests that this variant is likely to be tolerated. In summary, the available evidence is currently insufficient to determine the role of this variant in disease. Therefore, it has been classified as a Variant of Uncertain Significance.

GeneDx
Classification: Uncertain significance. Last evaluated: 2024-06-18. Review status: criteria provided, single submitter. Criteria: GeneDx Variant Classification Process June 2021. Collection method: clinical testing. Allele origin: germline.
Comment: In silico analysis indicates that this missense variant does not alter protein structure/function; Has not been previously published as pathogenic or benign to our knowledge; This variant is associated with the following publications: (PMID: 32091409)

Color Diagnostics, LLC DBA Color Health
Classification: Uncertain significance for Hereditary cancer-predisposing syndrome. Last evaluated: 2024-02-05. Review status: criteria provided, single submitter. Criteria: ACMG Guidelines, 2015. Collection method: clinical testing. Allele origin: germline.
Comment: This missense variant replaces alanine with serine at codon 198 of the BARD1 protein. Computational prediction suggests that this variant may not impact protein structure and function. To our knowledge, functional studies have not been reported for this variant. This variant has not been reported in individuals affected with BARD1-related disorders in the literature. This variant has been identified in 7/270376 chromosomes in the general population by the Genome Aggregation Database (gnomAD). The available evidence is insufficient to determine the role of this variant in disease conclusively. Therefore, this variant is classified as a Variant of Uncertain Significance.

Ambry Genetics
Classification: Likely benign for Hereditary cancer-predisposing syndrome. Last evaluated: 2023-12-26. Review status: criteria provided, single submitter. Criteria: Ambry Variant Classification Scheme 2023. Collection method: clinical testing. Allele origin: germline.

KCCC/NGS Laboratory, Kuwait Cancer Control Center
Classification: Uncertain significance for Familial cancer of breast. Last evaluated: 2023-07-04. Review status: criteria provided, single submitter. Criteria: ACMG Guidelines, 2015. Collection method: clinical testing. Allele origin: unknown. Inheritance: Autosomal dominant inheritance. Affected: no. Observed: 1 heterozygote.
Comment: This sequence change replaces alanine with serine at codon 198 of the BARD1 protein (p.Ala198Ser). This variant is present in population databases (rs748834249, ExAC 0.006%). This variant has not been reported in the literature in individuals with BARD1-related disease. ClinVar contains an entry for this variant (Variation ID: 230324) with 3 submissions, all of which describe it as of uncertain significance, two stars, no conflicts. In-silico predictions show benign computational verdict based on 10 benign predictions from BayesDel_addAF, DANN, DEOGEN2, EIGEN, FATHMM-MKL, LIST-S2, MVP, MutationTaster, PrimateAI and SIFT vs 2 pathogenic predictions from M-CAP and MutationAssessor and the position is not strongly conserved Therefore, it has been classified as a Variant of Uncertain Significance.